The following is an entry in ClinVar:

NM_002769.5(PRSS1):c.398C>G (p.Pro133Arg)

Genes: TRB (T cell receptor beta locus; plus strand), PRSS1 (serine protease 1; plus strand). Cytogenetic location: 7q34.
Variant type: single nucleotide variant.
Coding change: c.398C>G on transcript NM_002769.5 (MANE Select); coding-DNA position 398, C replaced by G.
Protein change: p.Pro133Arg; replaces proline 133 with arginine.
Molecular consequence: missense variant.
Genome position (GRCh38, 1-based): chr7:142,751,971, C>G. VCF-style: chr7-142751971-C-G. GRCh37 (hg19) VCF-style: chr7-142459822-C-G.
Other names: short protein forms P133R.
Identifiers: ClinVar variation 36705 (VCV000036705.16), dbSNP rs193922656, ClinGen allele CA260519.

ClinVar aggregate classification (germline): Conflicting classifications of pathogenicity. Review status: criteria provided, conflicting classifications (1 of 4 stars). 3 submissions from 3 submitters: Likely pathogenic (1); Uncertain significance (2). Last evaluated 2025-12-10.

Conditions:
Hereditary pancreatitis (PCTT). Also called: PRSS1-Related Hereditary Pancreatitis; Hereditary chronic pancreatitis. Identifiers: Orphanet 676, MedGen C0238339, MONDO:0008185, OMIM 167800.

Submissions (3):

Ambry Genetics
Classification: Uncertain significance for Hereditary pancreatitis. Last evaluated: 2025-12-10. Review status: criteria provided, single submitter. Criteria: Ambry Variant Classification Scheme 2023. Collection method: clinical testing. Allele origin: germline.
Comment: The p.P133R variant (also known as c.398C>G), located in coding exon 3 of the PRSS1 gene, results from a C to G substitution at nucleotide position 398. The proline at codon 133 is replaced by arginine, an amino acid with dissimilar properties. This amino acid position is poorly conserved in available vertebrate species. In addition, the in silico prediction for this alteration is inconclusive. Based on the available evidence, the clinical significance of this variant remains unclear.

Labcorp Genetics (formerly Invitae), Labcorp
Classification: Uncertain significance for Hereditary pancreatitis. Last evaluated: 2025-06-08. Review status: criteria provided, single submitter. Criteria: Invitae Variant Classification Sherloc (09022015). Collection method: clinical testing. Allele origin: germline.
Comment: This sequence change replaces proline, which is neutral and non-polar, with arginine, which is basic and polar, at codon 133 of the PRSS1 protein (p.Pro133Arg). This variant is not present in population databases (gnomAD no frequency). This variant has not been reported in the literature in individuals affected with PRSS1-related conditions. ClinVar contains an entry for this variant (Variation ID: 36705). Invitae Evidence Modeling of protein sequence and biophysical properties (such as structural, functional, and spatial information, amino acid conservation, physicochemical variation, residue mobility, and thermodynamic stability) indicates that this missense variant is not expected to disrupt PRSS1 protein function with a negative predictive value of 80%. In summary, the available evidence is currently insufficient to determine the role of this variant in disease. Therefore, it has been classified as a Variant of Uncertain Significance.

Women's Health and Genetics/Laboratory Corporation of America, LabCorp
Classification: Likely pathogenic for heritable chronic pancreatitis. Last evaluated: 2011-08-18. Review status: criteria provided, single submitter. Criteria: LabCorp Variant Classification Summary - May 2015. Collection method: curation, clinical testing. Allele origin: germline. Inheritance: autosomal unknown. Affected: yes.
ClinVar note: Converted during submission from likely pathogenic to Likely pathogenic.